The following is an entry in ClinVar:

NM_000226.4(KRT9):c.487C>T (p.Arg163Trp)

Gene: KRT9 (keratin 9; minus strand). Cytogenetic location: 17q21.2.
Variant type: single nucleotide variant.
Coding change: c.487C>T on transcript NM_000226.4 (MANE Select); coding-DNA position 487, C replaced by T.
Protein change: p.Arg163Trp; replaces arginine 163 with tryptophan.
Molecular consequence: missense variant.
Genome position (GRCh38, 1-based): chr17:41,571,506, G>A on the plus strand (C>T on the coding strand, the complement: KRT9 is on the minus strand). VCF-style: chr17-41571506-G-A. GRCh37 (hg19) VCF-style: chr17-39727758-G-A.
Other names: short protein forms R163W.
Identifiers: ClinVar variation 2997 (VCV000002997.64), dbSNP rs59616921, ClinGen allele CA115903.

ClinVar aggregate classification (germline): Pathogenic/Likely pathogenic. Review status: criteria provided, multiple submitters, no conflicts (2 of 4 stars). 16 submissions from 16 submitters: Pathogenic (11); Likely pathogenic (1). 4 of the submissions do not count toward it. Last evaluated 2026-09-18.

Conditions:
KRT9-related disorder. Also called: KRT9-related condition.
Palmoplantar keratodermas.
Epidermolytic palmoplantar keratoderma, 1 (EPPK1). Also called: TYLOSIS; PALMOPLANTAR KERATODERMA, EPIDERMOLYTIC, WITH KNUCKLE PADS. Identifiers: Orphanet 2199, MedGen CN377798, MONDO:0007758, OMIM 144200.
Palmoplantar keratoderma. Identifiers: MedGen C4551675, HP:0000982.
Palmoplantar keratoderma, epidermolytic. Also called: Localized epidermolytic hyperkeratosis. Identifiers: MedGen C1721006, MONDO:0968949, HP:0007559.

Submissions (16):

Genetics Laboratory, Great Ormond Street Hospital NHS Foundation Trust, North Thames Genomic Laboratory Hub
Classification: Pathogenic for Palmoplantar keratodermas. Last evaluated: 2026-09-18. Review status: criteria provided, single submitter. Criteria: ACGS Best Practice Guidelines for Variant Classification in Rare Disease 2024 v1.2. Collection method: clinical testing. Allele origin: germline. Affected: yes.
Comment: PS4_moderate, PM2_moderate, PP3_supporting, PM1_moderate, PP1_strong

Labcorp Genetics (formerly Invitae), Labcorp
Classification: Pathogenic. Last evaluated: 2025-11-05. Review status: criteria provided, single submitter. Criteria: Invitae Variant Classification Sherloc (09022015). Collection method: clinical testing. Allele origin: germline.
Comment: This sequence change replaces arginine, which is basic and polar, with tryptophan, which is neutral and slightly polar, at codon 163 of the KRT9 protein (p.Arg163Trp). This variant is not present in population databases (gnomAD no frequency). This missense change has been observed in individuals with epidermolytic palmoplantar keratoderma (PMID: 22262370). It has also been observed to segregate with disease in related individuals. ClinVar contains an entry for this variant (Variation ID: 2997). Invitae Evidence Modeling of protein sequence and biophysical properties (such as structural, functional, and spatial information, amino acid conservation, physicochemical variation, residue mobility, and thermodynamic stability) has been performed for this missense variant. However, the output from this modeling did not meet the statistical confidence thresholds required to predict the impact of this variant on KRT9 protein function. For these reasons, this variant has been classified as Pathogenic.

Blueprint Genetics
Classification: Pathogenic for KRT9-related disorders. Last evaluated: 2024-11-26. Review status: criteria provided, single submitter. Criteria: ACMG Guidelines, 2015. Collection method: clinical testing. Allele origin: germline. Affected: yes. Observed: 5 variant alleles.

Clinical Genetics Laboratory, Skane University Hospital Lund
Classification: Pathogenic. Last evaluated: 2023-09-18. Review status: criteria provided, single submitter. Criteria: ACMG Guidelines, 2015. Collection method: clinical testing. Allele origin: germline. Affected: yes.

Neuberg Centre For Genomic Medicine, NCGM
Classification: Pathogenic for Epidermolytic palmoplantar keratoderma, 1. Last evaluated: 2023-05-20. Review status: criteria provided, single submitter. Criteria: ACMG Guidelines, 2015. Collection method: clinical testing. Allele origin: germline. Inheritance: Autosomal dominant inheritance. Affected: yes.
Comment: The observed missense c.487C>T(p.Arg163Trp) variant in KRT9 gene has been reported previously in heterozygous state in multiple individuals affected with epidermolytic palmoplantar keratoderma (Wang P, et al., 2016; Liu WT, et al., 2012; Chiu HC, et al., 2007). This variant has also been observed to segregate with disease in related individuals. The p.Arg163Trp variant is absent in gnomAD Exomes. This variant has been reported to the ClinVar database as Likely Pathogenic / Pathogenic (multiple submissions). Multiple lines of computational evidences (Polyphen - Probably damaging, SIFT - Damaging and MutationTaster - Disease causing) predict a damaging effect on protein structure and function for this variant. The reference amino acid is predicted as conserved by GERP++ and PhyloP across 100 vertebrates. The amino acid Arg at position 163 is changed to a Trp changing protein sequence and it might alter its composition and physico-chemical properties. For these reasons, this variant has been classified as Pathogenic.

Institute of Human Genetics, University of Leipzig Medical Center
Classification: Pathogenic for Epidermolytic palmoplantar keratoderma, 1. Last evaluated: 2023-05-19. Review status: criteria provided, single submitter. Criteria: ACMG Guidelines, 2015. Collection method: clinical testing. Allele origin: unknown. Inheritance: Autosomal dominant inheritance. Affected: yes.
Comment: Criteria applied: PM5_STR,PP1_STR,PS4_MOD,PM1,PM2_SUP,PP3

GeneDx
Classification: Pathogenic. Last evaluated: 2023-04-30. Review status: criteria provided, single submitter. Criteria: GeneDx Variant Classification Process June 2021. Collection method: clinical testing. Allele origin: germline. Affected: yes.
Comment: Located within the helix initiation motif within the 1A region of the rod domain, which is a well-known mutation hotspot intolerant to change; Not observed in large population cohorts (gnomAD); In silico analysis, which includes protein predictors and evolutionary conservation, supports a deleterious effect; This variant is associated with the following publications: (PMID: 19223272, 25299193, 23278372, 22262370, 27864007, 30666268, 10844507, 15564199, 33914963, 7512862)

Molecular Genetics, Royal Melbourne Hospital
Classification: Pathogenic for Palmoplantar keratoderma, epidermolytic. Last evaluated: 2021-08-10. Review status: criteria provided, single submitter. Criteria: ACMG Guidelines, 2015. Collection method: clinical testing. Allele origin: germline. Affected: yes.
Comment: This sequence change in KRT9 is predicted to replace arginine with tryptophan at codon 163 (p.(Arg163Trp)). The arginine residue is highly conserved (100 vertebrates, UCSC), and is an invariant residue in human type 1 keratins in the coil 1A alpha-helical segment of the intermediate filament rod domain (PMID: 7512862). There is a large physicochemical difference between arginine and tryptophan. This variant is absent from gnomAD v2.1 and v3.1. This variant has been reported in multiple probands with epidermolytic palmoplantar keratoderma, and segregates with the disease in multiple families (PMID: 7512862, 7523529). Multiple lines of computational evidence predict a deleterious effect for the missense substitution (5/5 algorithms). Based on the classification scheme RMH Modified ACMG Guidelines v1.4.0, this variant is classified as PATHOGENIC. Following criteria are met: PP1_Strong, PS4_Moderate, PM1, PM2_Supporting, PP3.

CeGaT Center for Human Genetics Tuebingen
Classification: Pathogenic. Last evaluated: 2020-06-01. Review status: criteria provided, single submitter. Criteria: CeGaT Center For Human Genetics Tuebingen Variant Classification Criteria Version 2. Collection method: clinical testing. Allele origin: germline. Affected: yes. Observed: 1 variant allele.

Fulgent Genetics
Classification: Pathogenic for Epidermolytic palmoplantar keratoderma, 1. Last evaluated: 2018-10-31. Review status: criteria provided, single submitter. Criteria: ACMG Guidelines, 2015. Collection method: clinical testing. Allele origin: unknown.

Centre for Mendelian Genomics, University Medical Centre Ljubljana
Classification: Likely pathogenic for Palmoplantar keratoderma. Last evaluated: 2017-01-01. Review status: criteria provided, single submitter. Criteria: ACMG Guidelines, 2015. Collection method: clinical testing. Allele origin: unknown. Affected: yes.

Juno Genomics, Hangzhou Juno Genomics, Inc
Classification: Pathogenic for Epidermolytic palmoplantar keratoderma, 1. Review status: criteria provided, single submitter. Criteria: ACMG Guidelines, 2015. Collection method: clinical testing. Allele origin: germline. Affected: yes.
Comment: Absent from controls (or at extremely low frequency if recessive) in Genome Aggregation Database.;Multiple lines of computational evidence support a deleterious effect on the gene or gene product.;The prevalence of the variant in affected individuals is significantly increased compared to the prevalence in controls.;Co-segregation with disease in multiple affected family members.;Patient's phenotype or family history is highly specific for a disease with a single genetic etiology.

OMIM
Classification: Pathogenic for PALMOPLANTAR KERATODERMA, EPIDERMOLYTIC, 1. Last evaluated: 2009-03-01. Review status: no assertion criteria provided. Collection method: literature only. Allele origin: germline. Not counted in ClinVar's aggregate classification.

Diagnostic Laboratory, Department of Genetics, University Medical Center Groningen
Classification: Pathogenic. Review status: no assertion criteria provided. Collection method: clinical testing. Allele origin: germline. Affected: yes. Study: VKGL Data-share Consensus. Not counted in ClinVar's aggregate classification.

Epithelial Biology;  Institute of Medical Biology, Singapore
No classification provided. Review status: no classification provided. Collection method: not provided. Allele origin: not provided. Not counted in ClinVar's aggregate classification.

Joint Genome Diagnostic Labs from Nijmegen and Maastricht, Radboudumc and MUMC+
Classification: Pathogenic. Review status: no assertion criteria provided. Collection method: clinical testing. Allele origin: germline. Affected: yes. Study: VKGL Data-share Consensus. Not counted in ClinVar's aggregate classification.

Literature cited by the submitters: PubMed 22262370 (cited by Labcorp Genetics (formerly Invitae), Labcorp); PubMed 7512862 (cited by Molecular Genetics, Royal Melbourne Hospital and OMIM); PubMed 7523529 (cited by Molecular Genetics, Royal Melbourne Hospital and OMIM); PubMed 12838553 (cited by OMIM); Thost, A. Ueber erbliche Ichthyosis palmaris et plantaris cornea. Dissertation: Heidelberg (pub.) 1880. (cited by OMIM); PubMed 1385292 (cited by OMIM); PubMed 7516304 (cited by OMIM); PubMed 2531643 (cited by OMIM); PubMed 7532199 (cited by OMIM); PubMed 17074468 (cited by OMIM); PubMed 19106041 (cited by OMIM); PubMed 19223272 (cited by OMIM).